The following is an entry in ClinVar:

ClinVar aggregate classification (germline): Pathogenic (1 of 4 stars; one submission).

Submission:

GeneDx
Classification: Pathogenic. Last evaluated: 2016-03-09. Review status: criteria provided, single submitter. Criteria: GeneDx Variant Classification (06012015). Collection method: clinical testing. Allele origin: germline. Affected: yes.
Comment: The c.357delC pathogenic variant in the SIX3 gene causes a frameshift starting with codon Alanine 121, changes this amino acid to an Arginine residue and creates a premature Stop codon at position 130 of the new reading frame, denoted p.Ala121ArgfsX130. This pathogenic variant is predicted to cause loss of normal protein function either through protein truncation or nonsense-mediated mRNA decay. The variant was not observed in approximately 6,000 individuals of European and African American ancestry in the NHLBI Exome Sequencing Project, indicating it is not a common benign variant in these populations.

NM_005413.4(SIX3):c.357del (p.Ala121fs)

Gene: SIX3 (SIX homeobox 3; plus strand). Cytogenetic location: 2p21.
Variant type: Deletion.
Coding change: c.357del on transcript NM_005413.4 (MANE Select); coding-DNA position 357, one base deleted (C; older notation c.357delC).
Protein change: p.Ala121fs; shifts the reading frame from alanine 121.
Molecular consequence: frameshift variant.
Genome position (GRCh38, 1-based): chr2:44,942,461, C deleted; the last of 5 consecutive C bases (chr2:44,942,457-44,942,461); deleting any one gives the same sequence. VCF-style (leftmost placement, unchanged base first): chr2-44942456-GC-G. GRCh37 (hg19) VCF-style: chr2-45169595-GC-G.
Other names: short protein forms A121fs.
Identifiers: ClinVar variation 280334 (VCV000280334.2), dbSNP rs886041560, ClinGen allele CA10602859.